The following is an entry in ClinVar:

NM_000179.3(MSH6):c.2831_2832del (p.Ile944fs)

Gene: MSH6 (mutS homolog 6; plus strand). Cytogenetic location: 2p16.3.
Variant type: Deletion.
Coding change: c.2831_2832del on transcript NM_000179.3 (MANE Select); coding-DNA positions 2831 to 2832, 2 bases deleted (TA; older notation c.2831_2832delTA).
Protein change: p.Ile944fs; shifts the reading frame from isoleucine 944.
Molecular consequence: frameshift variant.
Genome position (GRCh38, 1-based): chr2:47,800,814-47,800,815, TA deleted; deleting any 2 consecutive bases within chr2:47,800,813-47,800,815 gives the same sequence; the c. name uses the placement nearest the transcript's 3' end. VCF-style (leftmost placement, unchanged base first): chr2-47800812-CAT-C. GRCh37 (hg19) VCF-style: chr2-48027951-CAT-C.
Other names: c.2441_2442del, p.Ile814fs (NM_001281492.2); c.1925_1926del, p.Ile642fs (NM_001281493.2, NM_001281494.2); c.2927_2928delTA, p.Ile976Lysfs (NM_001406795.1, NM_001406802.1); c.2831_2832delTA, p.Ile944Lysfs (NM_001406796.1, NM_001406798.1, NM_001406800.1 and 2 more transcripts); c.2534_2535delTA, p.Ile845Lysfs (NM_001406797.1, NM_001406801.1, NM_001406805.1 and 10 more transcripts); c.2306_2307delTA, p.Ile769Lysfs (NM_001406799.1, NM_001406806.1, NM_001406807.1); c.2753_2754delTA, p.Ile918Lysfs (NM_001406804.1); c.1925_1926delTA, p.Ile642Lysfs (NM_001406811.1, NM_001406812.1, NM_001406814.1 and 4 more transcripts); and 3 more; short protein forms I642fs, I944fs, I814fs.
Identifiers: ClinVar variation 1796593 (VCV001796593.9), dbSNP rs2530695942, ClinGen allele CA2580068079.

ClinVar aggregate classification (germline): Pathogenic. Review status: criteria provided, multiple submitters, no conflicts (2 of 4 stars). 5 submissions from 5 submitters: Pathogenic (5). Last evaluated 2025-04-10.

Conditions:
Hereditary cancer-predisposing syndrome. Also called: Tumor predisposition; Hereditary Cancer Syndrome; Neoplastic Syndromes, Hereditary; Hereditary neoplastic syndrome. Identifiers: Orphanet 140162, MedGen C0027672, MeSH D009386, MONDO:0015356.
Lynch syndrome. Identifiers: Orphanet 144, MedGen C4552100, MONDO:0005835. Disease mechanism: loss of function.
Hereditary nonpolyposis colorectal neoplasms. Identifiers: MedGen C0009405, MeSH D003123.
Lynch syndrome 5 (LYNCH5). Also called: Colorectal cancer, hereditary nonpolyposis, type 5; Hereditary non-polyposis colorectal cancer, type 5. Identifiers: Orphanet 144, MedGen C1833477, MONDO:0013710, OMIM 614350. Disease mechanism: loss of function.

Submissions (5):

Ambry Genetics
Classification: Pathogenic for Hereditary cancer-predisposing syndrome. Last evaluated: 2025-04-10. Review status: criteria provided, single submitter. Criteria: Ambry Variant Classification Scheme 2023. Collection method: clinical testing. Allele origin: germline.
Comment: The c.2831_2832delTA pathogenic mutation, located in coding exon 4 of the MSH6 gene, results from a deletion of two nucleotides at nucleotide positions 2831 to 2832, causing a translational frameshift with a predicted alternate stop codon (p.I944Kfs*4). This alteration is expected to result in loss of function by premature protein truncation or nonsense-mediated mRNA decay. As such, this alteration is interpreted as a disease-causing mutation.

All of Us Research Program, National Institutes of Health
Classification: Pathogenic for Lynch syndrome. Last evaluated: 2024-01-08. Review status: criteria provided, single submitter. Criteria: ACMG Guidelines, 2015. Collection method: clinical testing. Allele origin: germline. Inheritance: Autosomal dominant inheritance. Observed: 1 variant allele, 1 heterozygote.
Comment: This variant deletes 2 nucleotides in exon 4 of the MSH6 gene, creating a frameshift and premature translation stop signal. This variant is expected to result in an absent or non-functional protein product. To our knowledge, this variant has not been reported in individuals affected with MSH6-related disorders in the literature. This variant has not been identified in the general population by the Genome Aggregation Database (gnomAD). Loss of MSH6 function is a known mechanism of disease. Based on the available evidence, this variant is classified as Pathogenic.

This study involves interpretation of variants in research participants for the purpose of population health screening. Participant phenotype was not available at the time of variant classification. Additional details can be found in publication PMID: 35346344, PMCID: PMC8962531

Color Diagnostics, LLC DBA Color Health
Classification: Pathogenic for Hereditary cancer-predisposing syndrome. Last evaluated: 2023-10-25. Review status: criteria provided, single submitter. Criteria: ACMG Guidelines, 2015. Collection method: clinical testing. Allele origin: germline.
Comment: This variant deletes 2 nucleotides in exon 4 of the MSH6 gene, creating a frameshift and premature translation stop signal. This variant is expected to result in an absent or non-functional protein product. To our knowledge, this variant has not been reported in individuals affected with MSH6-related disorders in the literature. This variant has not been identified in the general population by the Genome Aggregation Database (gnomAD). Loss of MSH6 function is a known mechanism of disease. Based on the available evidence, this variant is classified as Pathogenic.

Myriad Genetics, Inc.
Classification: Pathogenic for Lynch syndrome 5. Last evaluated: 2023-08-21. Review status: criteria provided, single submitter. Criteria: Myriad Autosomal Dominant, Autosomal Recessive and X-Linked Classification Criteria (2023). Collection method: clinical testing. Allele origin: unknown.
Comment: This variant is considered pathogenic. This variant creates a frameshift predicted to result in premature protein truncation.

Labcorp Genetics (formerly Invitae), Labcorp
Classification: Pathogenic for Hereditary nonpolyposis colorectal neoplasms. Last evaluated: 2023-03-24. Review status: criteria provided, single submitter. Criteria: Invitae Variant Classification Sherloc (09022015). Collection method: clinical testing. Allele origin: germline.
Comment: This sequence change creates a premature translational stop signal (p.Ile944Lysfs*4) in the MSH6 gene. It is expected to result in an absent or disrupted protein product. Loss-of-function variants in MSH6 are known to be pathogenic (PMID: 18269114, 24362816). This variant is not present in population databases (gnomAD no frequency). This variant has not been reported in the literature in individuals affected with MSH6-related conditions. ClinVar contains an entry for this variant (Variation ID: 1796593). For these reasons, this variant has been classified as Pathogenic.

Literature cited by the submitters: PubMed 18269114 (cited by Labcorp Genetics (formerly Invitae), Labcorp); PubMed 24362816 (cited by Labcorp Genetics (formerly Invitae), Labcorp).